The following is an entry in ClinVar:

NM_002471.4(MYH6):c.999C>T (p.Thr333=)

Gene: MYH6 (myosin heavy chain 6; minus strand). Cytogenetic location: 14q11.2.
Variant type: single nucleotide variant.
Coding change: c.999C>T on transcript NM_002471.4 (MANE Select); coding-DNA position 999, C replaced by T.
Protein change: p.Thr333=; no amino-acid change (threonine 333 retained).
Molecular consequence: synonymous variant.
Genome position (GRCh38, 1-based): chr14:23,402,700, G>A on the plus strand (C>T on the coding strand, the complement: MYH6 is on the minus strand). VCF-style: chr14-23402700-G-A. GRCh37 (hg19) VCF-style: chr14-23871909-G-A.
Identifiers: ClinVar variation 36634 (VCV000036634.24), dbSNP rs78107039, ClinGen allele CA134505.

ClinVar aggregate classification (germline): Benign. Review status: criteria provided, multiple submitters, no conflicts (2 of 4 stars). 11 submissions from 11 submitters: Benign (6). 5 of the submissions do not count toward it. Last evaluated 2026-02-03.

Conditions:
Cardiovascular phenotype. Identifiers: MedGen CN230736.
Cardiomyopathy (CMYO). Also called: Cardiomyopathies. Identifiers: Orphanet 167848, MedGen C0878544, MONDO:0004994, HP:0001638. Inheritance: Various modes of inheritance.
Hypertrophic cardiomyopathy 14. Identifiers: MedGen C2750467, MONDO:0013197, OMIM 613251.

Allele frequency attached by ClinVar (database versions not stated): gnomAD 0.03596 and 0.03459; TOPMed 0.03769; ESP Exome Variant Server 0.04006; 1000 Genomes Project 30x 0.04138; 1000 Genomes Project 0.04233; gnomAD exomes 0.01830; ExAC 0.02025.
gnomAD v4.1: 21,291 of 1,613,290 alleles (1.3%); highest among the groups gnomAD compares: African/African-American, 9.6%; 497 homozygotes.

Submissions (11):

Labcorp Genetics (formerly Invitae), Labcorp
Classification: Benign for Hypertrophic cardiomyopathy 14. Last evaluated: 2026-02-03. Review status: criteria provided, single submitter. Criteria: Invitae Variant Classification Sherloc (09022015). Collection method: clinical testing. Allele origin: germline.

GeneDx
Classification: Benign. Last evaluated: 2016-09-29. Review status: criteria provided, single submitter. Criteria: GeneDx Variant Classification (06012015). Collection method: clinical testing. Allele origin: germline. Affected: yes.
Comment: This variant is considered likely benign or benign based on one or more of the following criteria: it is a conservative change, it occurs at a poorly conserved position in the protein, it is predicted to be benign by multiple in silico algorithms, and/or has population frequency not consistent with disease.

Ambry Genetics
Classification: Benign for Cardiovascular phenotype. Last evaluated: 2015-06-26. Review status: criteria provided, single submitter. Criteria: Ambry Variant Classification Scheme 2023. Collection method: clinical testing. Allele origin: germline.

Laboratory for Molecular Medicine, Mass General Brigham Personalized Medicine
Classification: Benign. Last evaluated: 2012-04-25. Review status: criteria provided, single submitter. Criteria: LMM Criteria. Collection method: clinical testing. Allele origin: germline. Observed: 85 variant alleles.

Breakthrough Genomics
Classification: Benign. Review status: criteria provided, single submitter. Criteria: ACMG Guidelines, 2015. Collection method: not provided. Allele origin: germline. Inheritance: Autosomal dominant inheritance. Affected: yes.

PreventionGenetics, part of Exact Sciences
Classification: Benign. Review status: criteria provided, single submitter. Criteria: ACMG Guidelines, 2015. Collection method: clinical testing. Allele origin: germline.

Women's Health and Genetics/Laboratory Corporation of America, LabCorp
Classification: Benign for Cardiomyopathy. Last evaluated: 2011-11-20. Review status: no assertion criteria provided. Collection method: clinical testing. Allele origin: germline. Not counted in ClinVar's aggregate classification.

Clinical Genetics DNA and cytogenetics Diagnostics Lab, Erasmus MC, Erasmus Medical Center
Classification: Benign. Review status: no assertion criteria provided. Collection method: clinical testing. Allele origin: germline. Affected: yes. Study: VKGL Data-share Consensus. Not counted in ClinVar's aggregate classification.

Clinical Genetics, Academic Medical Center
Classification: Benign. Review status: no assertion criteria provided. Collection method: clinical testing. Allele origin: germline. Affected: yes. Study: VKGL Data-share Consensus. Not counted in ClinVar's aggregate classification.

Genome Diagnostics Laboratory, University Medical Center Utrecht
Classification: Benign. Review status: no assertion criteria provided. Collection method: clinical testing. Allele origin: germline. Affected: yes. Study: VKGL Data-share Consensus. Not counted in ClinVar's aggregate classification.

Joint Genome Diagnostic Labs from Nijmegen and Maastricht, Radboudumc and MUMC+
Classification: Benign. Review status: no assertion criteria provided. Collection method: clinical testing. Allele origin: germline. Affected: yes. Study: VKGL Data-share Consensus. Not counted in ClinVar's aggregate classification.